The following is an entry in ClinVar:

NM_052872.4(IL17F):c.273C>G (p.Asn91Lys)

Gene: IL17F (interleukin 17F; minus strand). Cytogenetic location: 6p12.2.
Variant type: single nucleotide variant.
Coding change: c.273C>G on transcript NM_052872.4 (MANE Select); coding-DNA position 273, C replaced by G.
Protein change: p.Asn91Lys; replaces asparagine 91 with lysine.
Molecular consequence: missense variant.
Genome position (GRCh38, 1-based): chr6:52,237,150, G>C on the plus strand (C>G on the coding strand, the complement: IL17F is on the minus strand). VCF-style: chr6-52237150-G-C. GRCh37 (hg19) VCF-style: chr6-52101948-G-C.
Other names: short protein forms N91K.
Identifiers: ClinVar variation 955559 (VCV000955559.9), dbSNP rs775184787, ClinGen allele CA364444805.

ClinVar aggregate classification (germline): Uncertain significance (1 of 4 stars; one submission).

Conditions:
Candidiasis, familial, 6 (CANDF6). Also called: Candidiasis, familial, 6, autosomal dominant. Identifiers: Orphanet 1334, MedGen C3151405, MONDO:0013503, OMIM 613956.

Submission:

Labcorp Genetics (formerly Invitae), Labcorp
Classification: Uncertain significance for Candidiasis, familial, 6. Last evaluated: 2019-11-10. Review status: criteria provided, single submitter. Criteria: Invitae Variant Classification Sherloc (09022015). Collection method: clinical testing. Allele origin: germline.
Comment: In summary, the available evidence is currently insufficient to determine the role of this variant in disease. Therefore, it has been classified as a Variant of Uncertain Significance. Algorithms developed to predict the effect of missense changes on protein structure and function are either unavailable or do not agree on the potential impact of this missense change (SIFT: "Tolerated"; PolyPhen-2: "Possibly Damaging"; Align-GVGD: "Class C0"). This variant has not been reported in the literature in individuals with IL17F-related conditions. This variant is not present in population databases (ExAC no frequency). This sequence change replaces asparagine with lysine at codon 91 of the IL17F protein (p.Asn91Lys). The asparagine residue is moderately conserved and there is a moderate physicochemical difference between asparagine and lysine.